The following is an entry in ClinVar:

NM_013275.6(ANKRD11):c.1080G>A (p.Pro360=)

Gene: ANKRD11 (ankyrin repeat domain 11; minus strand). Cytogenetic location: 16q24.3.
Variant type: single nucleotide variant.
Coding change: c.1080G>A on transcript NM_013275.6 (MANE Select); coding-DNA position 1080, G replaced by A.
Protein change: p.Pro360=; no amino-acid change (proline 360 retained).
Molecular consequence: synonymous variant.
Genome position (GRCh38, 1-based): chr16:89,285,462, C>T on the plus strand (G>A on the coding strand, the complement: ANKRD11 is on the minus strand). VCF-style: chr16-89285462-C-T. GRCh37 (hg19) VCF-style: chr16-89351870-C-T.
Other names: c.1080G>A, p.Pro360= (NM_001256182.2, NM_001256183.2).
Identifiers: ClinVar variation 772892 (VCV000772892.14), dbSNP rs144902113, ClinGen allele CA8242861.
Genomic context (GRCh38, chr16:89,285,462, plus strand): 5'-AAAACTATTGGATTTCGTTTCTTTTCTGTAGTCCTTTTTCAATAGGTGCTTGTCGTCCAC[C>T]GGAGGAACCCTGTCCTGCTCGTCGTCCTCATCAAACTCATACTCGTCCTTGACGGGGGCC-3'
Protein context (NP_037407.4, residues 350-370): DEDDEQDRVP[Pro360=]VDDKHLLKKD

ClinVar aggregate classification (germline): Likely benign. Review status: criteria provided, multiple submitters, no conflicts (2 of 4 stars). 3 submissions from 3 submitters: Likely benign (2). 1 of the submissions does not count toward it. Last evaluated 2023-02-06.

Conditions:
KBG syndrome (KBGS). Also called: ANKRD11-Related KBG Syndrome. Identifiers: Orphanet 2332, MedGen C0220687, MONDO:0007846, OMIM 148050.
ANKRD11-related disorder. Also called: ANKRD11-related condition.

Allele frequency attached by ClinVar (database versions not stated): ExAC 0.00009; gnomAD exomes 0.00009 and 0.00017; TOPMed 0.00012; gnomAD 0.00013 and 0.00014; ESP Exome Variant Server 0.00023.
gnomAD v4.1: 272 of 1,614,146 alleles (0.017%); highest among the groups gnomAD compares: Non-Finnish European, 0.021%; no homozygotes.

Submissions (3):

Labcorp Genetics (formerly Invitae), Labcorp
Classification: Likely benign for KBG syndrome. Last evaluated: 2023-02-06. Review status: criteria provided, single submitter. Criteria: Invitae Variant Classification Sherloc (09022015). Collection method: clinical testing. Allele origin: germline.

GeneDx
Classification: Likely benign. Last evaluated: 2020-01-13. Review status: criteria provided, single submitter. Criteria: GeneDx Variant Classification Process June 2021. Collection method: clinical testing. Allele origin: germline. Affected: yes.

PreventionGenetics, part of Exact Sciences
Classification: Likely benign for ANKRD11-related condition. Last evaluated: 2022-01-06. Review status: no assertion criteria provided. Collection method: clinical testing. Allele origin: germline. Not counted in ClinVar's aggregate classification.
Comment: This variant is classified as likely benign based on ACMG/AMP sequence variant interpretation guidelines (Richards et al. 2015 PMID: 25741868, with internal and published modifications).